The following is an entry in ClinVar:

NM_000350.3(ABCA4):c.4540-2036C>A

Gene: ABCA4 (ATP binding cassette subfamily A member 4; minus strand). Cytogenetic location: 1p22.1.
Variant type: single nucleotide variant.
Coding change: c.4540-2036C>A on transcript NM_000350.3 (MANE Select); 2036 bases into the intron before coding-DNA position 4540, C replaced by A.
Molecular consequence: intron variant.
Genome position (GRCh38, 1-based): chr1:94,027,084, G>T on the plus strand (C>A on the coding strand, the complement: ABCA4 is on the minus strand). VCF-style: chr1-94027084-G-T. GRCh37 (hg19) VCF-style: chr1-94492640-G-T.
Identifiers: ClinVar variation 236117 (VCV000236117.2), dbSNP rs886044743, ClinGen allele CA10602428.

ClinVar aggregate classification (germline): Conflicting classifications of pathogenicity. Review status: criteria provided, conflicting classifications (1 of 4 stars). 2 submissions from 2 submitters: Uncertain significance (1); Likely benign (1). Last evaluated 2017-08-21.

Conditions:
Severe early-childhood-onset retinal dystrophy (STGD1). Also called: Stargardt macular dystrophy; Juvenile onset macular degeneration; Stargardt disease 1; STGD; MACULAR DYSTROPHY WITH FLECKS, TYPE 1. Identifiers: Orphanet 364055, Orphanet 827, MedGen C1855465, MeSH D000080362, MONDO:0009549, OMIM 248200.

Submissions (2):

GeneDx
Classification: Likely benign. Last evaluated: 2017-08-21. Review status: criteria provided, single submitter. Criteria: GeneDx Variant Classification (06012015). Collection method: clinical testing. Allele origin: germline. Affected: yes.
Comment: This variant is considered likely benign or benign based on one or more of the following criteria: it is a conservative change, it occurs at a poorly conserved position in the protein, it is predicted to be benign by multiple in silico algorithms, and/or has population frequency not consistent with disease.

Institute of Human Genetics, Univ. Regensburg, Univ. Regensburg
Classification: Uncertain significance for Severe early-childhood-onset retinal dystrophy. Last evaluated: 2016-01-01. Review status: criteria provided, single submitter. Criteria: Schulz et al. (Invest Ophthalmol Vis Sci. 2017). Collection method: clinical testing. Allele origin: germline. Affected: yes. Observed: 1 heterozygote.